The following is an entry in ClinVar:

NM_001128840.3(CACNA1D):c.3802G>A (p.Ala1268Thr)

Gene: CACNA1D (calcium voltage-gated channel subunit alpha1 D; plus strand). Cytogenetic location: 3p21.1.
Variant type: single nucleotide variant.
Coding change: c.3802G>A on transcript NM_001128840.3 (MANE Select); coding-DNA position 3802, G replaced by A.
Protein change: p.Ala1268Thr; replaces alanine 1268 with threonine.
Molecular consequence: missense variant.
Genome position (GRCh38, 1-based): chr3:53,762,013, G>A. VCF-style: chr3-53762013-G-A. GRCh37 (hg19) VCF-style: chr3-53796040-G-A.
Other names: c.3862G>A, p.Ala1288Thr (NM_000720.4); c.3802G>A, p.Ala1268Thr (NM_001128839.3); short protein forms A1268T, A1288T.
Identifiers: ClinVar variation 3679000 (VCV003679000.2).
Genomic context (GRCh38, chr3:53,762,013, plus strand): 5'-ATTCATACATGCTCATAAACATCTGCCCTCGCCTGCTCTGTCCAGGGGTATTTTAGTGAC[G>A]CCTGGAACACGTTTGACTCCCTCATCGTAATCGGCAGCATTATAGACGTGGCCCTCAGCG-3'
Protein context (NP_001122312.1, residues 1258-1278): AFKPKGYFSD[Ala1268Thr]WNTFDSLIVI

ClinVar aggregate classification (germline): Uncertain significance (1 of 4 stars; one submission).

gnomAD v4.1: 6 of 1,612,464 alleles (0.00037%); highest among the groups gnomAD compares: East Asian, 0.0022%; no homozygotes.

Submission:

Labcorp Genetics (formerly Invitae), Labcorp
Classification: Uncertain significance. Last evaluated: 2024-06-30. Review status: criteria provided, single submitter. Criteria: Invitae Variant Classification Sherloc (09022015). Collection method: clinical testing. Allele origin: germline.
Comment: This sequence change replaces alanine, which is neutral and non-polar, with threonine, which is neutral and polar, at codon 1288 of the CACNA1D protein (p.Ala1288Thr). This variant is not present in population databases (gnomAD no frequency). This variant has not been reported in the literature in individuals affected with CACNA1D-related conditions. Advanced modeling of protein sequence and biophysical properties (such as structural, functional, and spatial information, amino acid conservation, physicochemical variation, residue mobility, and thermodynamic stability) performed at Invitae indicates that this missense variant is not expected to disrupt CACNA1D protein function with a negative predictive value of 80%. In summary, the available evidence is currently insufficient to determine the role of this variant in disease. Therefore, it has been classified as a Variant of Uncertain Significance.